The following is an entry in ClinVar:

NC_000005.10:g.33985011_33985098del

Gene: SLC45A2 (solute carrier family 45 member 2; minus strand). Cytogenetic location: 5p13.2.
Variant type: Deletion.
Genome position: GRCh38: chr5:33,985,011-33,985,098. GRCh37 (hg19): chr5:33,985,116-33,985,203.
Identifiers: ClinVar variation 1958948 (VCV001958948.3), dbSNP rs1753212731, ClinGen allele CA558969360.

ClinVar aggregate classification (germline): Uncertain significance (1 of 4 stars; one submission).

Submission:

Labcorp Genetics (formerly Invitae), Labcorp
Classification: Uncertain significance. Last evaluated: 2022-04-19. Review status: criteria provided, single submitter. Criteria: Invitae Variant Classification Sherloc (09022015). Collection method: clinical testing. Allele origin: germline.
Comment: This variant occurs in a non-coding region of the SLC45A2 gene. It does not change the encoded amino acid sequence of the SLC45A2 protein. This variant is present in population databases (no rsID available, gnomAD no frequency). This variant has not been reported in the literature in individuals affected with SLC45A2-related conditions. Experimental studies and prediction algorithms are not available or were not evaluated, and the functional significance of this variant is currently unknown. In summary, the available evidence is currently insufficient to determine the role of this variant in disease. Therefore, it has been classified as a Variant of Uncertain Significance.